The following is an entry in ClinVar:

ClinVar aggregate classification (germline): Uncertain significance (1 of 4 stars; one submission).

Conditions:
Inborn genetic diseases. Identifiers: MedGen C0950123, MeSH D030342.

Submission:

Ambry Genetics
Classification: Uncertain significance for Inborn genetic diseases. Last evaluated: 2025-11-02. Review status: criteria provided, single submitter. Criteria: Ambry Variant Classification Scheme 2023. Collection method: clinical testing. Allele origin: germline.
Comment: The p.G1139E variant (also known as c.3416G>A), located in coding exon 1 of the SAMD9 gene, results from a G to A substitution at nucleotide position 3416. The glycine at codon 1139 is replaced by glutamic acid, an amino acid with similar properties. This amino acid position is conserved. In addition, this alteration is predicted to be tolerated by in silico analysis. Based on the available evidence, the clinical significance of this variant remains unclear.

NM_017654.4(SAMD9):c.3416G>A (p.Gly1139Glu)

Gene: SAMD9 (sterile alpha motif domain containing 9; minus strand). Cytogenetic location: 7q21.2.
Variant type: single nucleotide variant.
Coding change: c.3416G>A on transcript NM_017654.4 (MANE Select); coding-DNA position 3416, G replaced by A.
Protein change: p.Gly1139Glu; replaces glycine 1139 with glutamic acid.
Molecular consequence: missense variant.
Genome position (GRCh38, 1-based): chr7:93,102,682, C>T on the plus strand (G>A on the coding strand, the complement: SAMD9 is on the minus strand). VCF-style: chr7-93102682-C-T. GRCh37 (hg19) VCF-style: chr7-92731995-C-T.
Other names: c.3416G>A, p.Gly1139Glu (NM_001193307.2); short protein forms G1139E.
Identifiers: ClinVar variation 4629916 (VCV004629916.1).